The following is an entry in ClinVar:

ClinVar aggregate classification (germline): Likely benign. Review status: criteria provided, single submitter (1 of 4 stars). 2 submissions from 2 submitters: Likely benign (1). 1 of the submissions does not count toward it. Last evaluated 2025-12-03.

Conditions:
IFT74-related disorder. Also called: IFT74-related condition; IFT74-Related Disorders.

Allele frequency attached by ClinVar (database versions not stated): gnomAD exomes below 0.00001.
gnomAD v4.1: 1 of 1,610,064 alleles (0.000062%); highest among the groups gnomAD compares: Admixed American, 0.0017%; no homozygotes.

Submissions (2):

Labcorp Genetics (formerly Invitae), Labcorp
Classification: Likely benign. Last evaluated: 2025-12-03. Review status: criteria provided, single submitter. Criteria: Invitae Variant Classification Sherloc (09022015). Collection method: clinical testing. Allele origin: germline.

PreventionGenetics, part of Exact Sciences
Classification: Likely benign for IFT74-related condition. Last evaluated: 2023-05-11. Review status: no assertion criteria provided. Collection method: clinical testing. Allele origin: germline. Not counted in ClinVar's aggregate classification.
Comment: This variant is classified as likely benign based on ACMG/AMP sequence variant interpretation guidelines (Richards et al. 2015 PMID: 25741868, with internal and published modifications).

NM_025103.4(IFT74):c.831G>A (p.Leu277=)

Gene: IFT74 (intraflagellar transport 74; plus strand). Cytogenetic location: 9p21.2.
Variant type: single nucleotide variant.
Coding change: c.831G>A on transcript NM_025103.4 (MANE Select); coding-DNA position 831, G replaced by A.
Protein change: p.Leu277=; no amino-acid change (leucine 277 retained).
Molecular consequence: synonymous variant.
Genome position (GRCh38, 1-based): chr9:27,016,948, G>A. VCF-style: chr9-27016948-G-A. GRCh37 (hg19) VCF-style: chr9-27016946-G-A.
Other names: c.831G>A, p.Leu277= (NM_001099222.3, NM_001099223.3, NM_001099224.3 and 1 more transcripts); c.831G>A (NM_025103.2).
Identifiers: ClinVar variation 1917613 (VCV001917613.6), dbSNP rs2489480381, ClinGen allele CA464163230.